The following is an entry in ClinVar:

NM_006922.4(SCN3A):c.4243A>T (p.Thr1415Ser)

Gene: SCN3A (sodium voltage-gated channel alpha subunit 3; minus strand). Cytogenetic location: 2q24.3.
Variant type: single nucleotide variant.
Coding change: c.4243A>T on transcript NM_006922.4 (MANE Select); coding-DNA position 4243, A replaced by T.
Protein change: p.Thr1415Ser; replaces threonine 1415 with serine.
Molecular consequence: missense variant.
Genome position (GRCh38, 1-based): chr2:165,096,517, T>A on the plus strand (A>T on the coding strand, the complement: SCN3A is on the minus strand). VCF-style: chr2-165096517-T-A. GRCh37 (hg19) VCF-style: chr2-165953027-T-A.
Other names: c.4096A>T, p.Thr1366Ser (NM_001081676.2, NM_001081677.2); short protein forms T1366S, T1415S.
Identifiers: ClinVar variation 3902937 (VCV003902937.1).
Genomic context (GRCh38, chr2:165,096,517, plus strand): 5'-TGATACTTACATCTCGTGAATCAACAGCTGCATACATAATATCCATCCAGCCTTTAAATG[T>A]GGCCTGTAAATAACATATATTTGAATTGTTCATAAAAATTTCACCTAACAATGACATTTA-3'
Protein context (NP_008853.3, residues 1405-1425): AGYLALLQVA[Thr1415Ser]FKGWMDIMYA

ClinVar aggregate classification (germline): Uncertain significance (1 of 4 stars; one submission).

Submission:

GeneDx
Classification: Uncertain significance. Last evaluated: 2024-12-10. Review status: criteria provided, single submitter. Criteria: GeneDx Variant Classification Process June 2021. Collection method: clinical testing. Allele origin: germline. Affected: yes.
Comment: Not observed at significant frequency in large population cohorts (gnomAD); In silico analysis supports that this missense variant has a deleterious effect on protein structure/function; Has not been previously published as pathogenic or benign to our knowledge